The following is an entry in ClinVar:

NM_004429.5(EFNB1):c.18G>A (p.Gln6=)

Gene: EFNB1 (ephrin B1; plus strand). Cytogenetic location: Xq13.1.
Variant type: single nucleotide variant.
Coding change: c.18G>A on transcript NM_004429.5 (MANE Select); coding-DNA position 18, G replaced by A.
Protein change: p.Gln6=; no amino-acid change (glutamine 6 retained).
Molecular consequence: synonymous variant.
Genome position (GRCh38, 1-based): chrX:68,829,794, G>A. VCF-style: chrX-68829794-G-A. GRCh37 (hg19) VCF-style: chrX-68049637-G-A.
Identifiers: ClinVar variation 3030540 (VCV003030540.2), dbSNP rs776263722, ClinGen allele CA10438096.
Genomic context (GRCh38, chrX:68,829,794, plus strand): 5'-GGAGGCGCCAAGGGATCCCGAAGTGCAGTCTGCCCCCGGGAAGATGGCTCGGCCTGGGCA[G>A]CGTTGGCTCGGCAAGTGGCTTGTGGCGATGGTCGTGTGGGCGCTGTGCCGGCTCGCCACA-3'
Protein context (NP_004420.1, residues 1-16): MARPG[Gln6=]RWLGKWLVAM

ClinVar aggregate classification (germline): Likely benign (0 of 4 stars; one submission).

Conditions:
EFNB1-related disorder. Also called: EFNB1-related condition.

Allele frequency attached by ClinVar (database versions not stated): TOPMed 0.00002; gnomAD 0.00005; gnomAD exomes 0.00014; 1000 Genomes Project 0.00026; 1000 Genomes Project 30x 0.00062; ExAC 0.00097.
gnomAD v4.1: 159 of 1,190,625 alleles (0.013%); highest among the groups gnomAD compares: South Asian, 0.28%; no homozygotes.

Submission:

PreventionGenetics, part of Exact Sciences
Classification: Likely benign for EFNB1-related condition. Last evaluated: 2024-01-26. Review status: no assertion criteria provided. Collection method: clinical testing. Allele origin: germline.
Comment: This variant is classified as likely benign based on ACMG/AMP sequence variant interpretation guidelines (Richards et al. 2015 PMID: 25741868, with internal and published modifications).